The following is an entry in ClinVar:

NM_014339.7(IL17RA):c.2318T>C (p.Met773Thr)

Gene: IL17RA (interleukin 17 receptor A; plus strand). Cytogenetic location: 22q11.1.
Variant type: single nucleotide variant.
Coding change: c.2318T>C on transcript NM_014339.7 (MANE Select); coding-DNA position 2318, T replaced by C.
Protein change: p.Met773Thr; replaces methionine 773 with threonine.
Molecular consequence: missense variant.
Genome position (GRCh38, 1-based): chr22:17,109,537, T>C. VCF-style: chr22-17109537-T-C. GRCh37 (hg19) VCF-style: chr22-17590427-T-C.
Other names: c.2216T>C, p.Met739Thr (NM_001289905.2); c.2318T>C (NM_014339.5); short protein forms M739T, M773T.
Identifiers: ClinVar variation 951289 (VCV000951289.8), dbSNP rs577326347, ClinGen allele CA10086968.

ClinVar aggregate classification (germline): Uncertain significance. Review status: criteria provided, multiple submitters, no conflicts (2 of 4 stars). 2 submissions from 2 submitters: Uncertain significance (2). Last evaluated 2024-09-05.

Conditions:
Immunodeficiency 51 (IMD51). Also called: CANDIDIASIS, FAMILIAL, 5. Identifiers: Orphanet 1334, MedGen C4310803, MONDO:0013500, OMIM 613953.

Allele frequency attached by ClinVar (database versions not stated): gnomAD below 0.00001 and 0.00005; TOPMed below 0.00001; gnomAD exomes 0.00009 and 0.00016; ExAC 0.00032; 1000 Genomes Project 0.00040; 1000 Genomes Project 30x 0.00062.
gnomAD v4.1: 146 of 1,599,516 alleles (0.0091%); highest among the groups gnomAD compares: South Asian, 0.15%; 2 homozygotes.

Submissions (2):

Ambry Genetics
Classification: Uncertain significance. Last evaluated: 2024-09-05. Review status: criteria provided, single submitter. Criteria: Ambry Variant Classification Scheme 2023. Collection method: clinical testing. Allele origin: germline.

Labcorp Genetics (formerly Invitae), Labcorp
Classification: Uncertain significance for Immunodeficiency 51. Last evaluated: 2022-01-26. Review status: criteria provided, single submitter. Criteria: Invitae Variant Classification Sherloc (09022015). Collection method: clinical testing. Allele origin: germline.
Comment: This sequence change replaces methionine, which is neutral and non-polar, with threonine, which is neutral and polar, at codon 773 of the IL17RA protein (p.Met773Thr). This variant is present in population databases (rs577326347, gnomAD 0.1%). This variant has not been reported in the literature in individuals affected with IL17RA-related conditions. ClinVar contains an entry for this variant (Variation ID: 951289). Algorithms developed to predict the effect of missense changes on protein structure and function (SIFT, PolyPhen-2, Align-GVGD) all suggest that this variant is likely to be tolerated. In summary, the available evidence is currently insufficient to determine the role of this variant in disease. Therefore, it has been classified as a Variant of Uncertain Significance.